The following is an entry in ClinVar:

ClinVar aggregate classification (germline): Pathogenic/Likely pathogenic. Review status: criteria provided, multiple submitters, no conflicts (2 of 4 stars). 3 submissions from 3 submitters: Pathogenic (2); Likely pathogenic (1). Last evaluated 2023-09-05.

Conditions:
RAD50-related disorder. Also called: RAD50-related condition.
Hereditary cancer-predisposing syndrome. Also called: Tumor predisposition; Hereditary neoplastic syndrome; Neoplastic Syndromes, Hereditary; Hereditary Cancer Syndrome. Identifiers: Orphanet 140162, MedGen C0027672, MeSH D009386, MONDO:0015356.

Submissions (3):

PreventionGenetics, part of Exact Sciences
Classification: Likely pathogenic for RAD50-related condition. Last evaluated: 2023-09-05. Review status: criteria provided, single submitter. Criteria: ACMG Guidelines, 2015. Collection method: clinical testing. Allele origin: germline.
Comment: The RAD50 c.1381A>T variant is predicted to result in premature protein termination (p.Lys461*). To our knowledge, this variant has not been reported in the literature or in a large population database, indicating this variant is rare. Nonsense variants in RAD50 are expected to be pathogenic. This variant is interpreted as likely pathogenic.

Labcorp Genetics (formerly Invitae), Labcorp
Classification: Pathogenic for Hereditary cancer-predisposing syndrome. Last evaluated: 2021-10-11. Review status: criteria provided, single submitter. Criteria: Invitae Variant Classification Sherloc (09022015). Collection method: clinical testing. Allele origin: germline.
Comment: ClinVar contains an entry for this variant (Variation ID: 819059). This sequence change creates a premature translational stop signal (p.Lys461*) in the RAD50 gene. It is expected to result in an absent or disrupted protein product. Loss-of-function variants in RAD50 are known to be pathogenic (PMID: 19409520). This variant is not present in population databases (ExAC no frequency). This variant has not been reported in the literature in individuals affected with RAD50-related conditions. For these reasons, this variant has been classified as Pathogenic.

Ambry Genetics
Classification: Pathogenic for Hereditary cancer-predisposing syndrome. Last evaluated: 2018-09-27. Review status: criteria provided, single submitter. Criteria: Ambry Variant Classification Scheme 2023. Collection method: clinical testing. Allele origin: germline.
Comment: The p.K461* pathogenic mutation (also known as c.1381A>T), located in coding exon 9 of the RAD50 gene, results from an A to T substitution at nucleotide position 1381. This changes the amino acid from a lysine to a stop codon within coding exon 9. This alteration is expected to result in loss of function by premature protein truncation or nonsense-mediated mRNA decay. As such, this alteration is interpreted as a disease-causing mutation.

Literature cited by the submitters: PubMed 19409520 (cited by Labcorp Genetics (formerly Invitae), Labcorp).

NM_005732.4(RAD50):c.1381A>T (p.Lys461Ter)

Gene: RAD50 (RAD50 double strand break repair protein; plus strand). Cytogenetic location: 5q31.1.
Variant type: single nucleotide variant.
Coding change: c.1381A>T on transcript NM_005732.4 (MANE Select); coding-DNA position 1381, A replaced by T.
Protein change: p.Lys461Ter; replaces lysine 461 with a stop codon.
Molecular consequence: nonsense.
Genome position (GRCh38, 1-based): chr5:132,589,766, A>T. VCF-style: chr5-132589766-A-T. GRCh37 (hg19) VCF-style: chr5-131925458-A-T.
Other names: short protein forms K461*.
Identifiers: ClinVar variation 819059 (VCV000819059.11), dbSNP rs1580993516, ClinGen allele CA360944456.